The following is an entry in ClinVar:

ClinVar aggregate classification (germline): Pathogenic/Likely pathogenic. Review status: criteria provided, multiple submitters, no conflicts (2 of 4 stars). 3 submissions from 3 submitters: Pathogenic (1); Likely pathogenic (2). Last evaluated 2024-08-01.

Conditions:
Leukoencephalopathy, progressive, with ovarian failure (LKENP). Identifiers: Orphanet 99853, MedGen C4014588, MONDO:0014387, OMIM 615889.

Submissions (3):

CeGaT Center for Human Genetics Tuebingen
Classification: Pathogenic. Last evaluated: 2024-08-01. Review status: criteria provided, single submitter. Criteria: CeGaT Center For Human Genetics Tuebingen Variant Classification Criteria Version 2. Collection method: clinical testing. Allele origin: germline. Affected: yes. Observed: 1 variant allele.
Comment: AARS2: PVS1, PM2

MGZ Medical Genetics Center
Classification: Likely pathogenic for Leukoencephalopathy, progressive, with ovarian failure. Last evaluated: 2021-11-25. Review status: criteria provided, single submitter. Criteria: ACMG Guidelines, 2015. Collection method: clinical testing. Allele origin: germline. Affected: yes. Observed: 1 variant allele.
Comment: ACMG criteria applied: PVS1, PM2_SUP

GeneDx
Classification: Likely pathogenic. Last evaluated: 2018-04-20. Review status: criteria provided, single submitter. Criteria: GeneDx Variant Classification (06012015). Collection method: clinical testing. Allele origin: germline. Affected: yes.
Comment: The c.781delC variant in the AARS2 gene has not been reported previously as a pathogenic variant, nor as a benign variant, to our knowledge. The c.781delC variant causes a frameshift starting with codon Glutamine 261, changes this amino acid to a Serine residue, and creates a premature Stop codon at position 49 of the new reading frame, denoted p.Gln261SerfsX49. This variant is predicted to cause loss of normal protein function either through protein truncation or nonsense-mediated mRNA decay. The c.781delC variant is not observed in large population cohorts (Lek et al., 2016). We interpret c.781delC as a likely pathogenic variant.

NM_020745.4(AARS2):c.781del (p.Gln261fs)

Gene: AARS2 (alanyl-tRNA synthetase 2, mitochondrial; minus strand). Cytogenetic location: 6p21.1.
Variant type: Deletion.
Coding change: c.781del on transcript NM_020745.4 (MANE Select); coding-DNA position 781, one base deleted (C; older notation c.781delC).
Protein change: p.Gln261fs; shifts the reading frame from glutamine 261.
Molecular consequence: frameshift variant.
Genome position (GRCh38, 1-based): chr6:44,310,412, G deleted on the plus strand (C on the coding strand, the reverse complement: AARS2 is on the minus strand); the first of 4 consecutive G bases (chr6:44,310,412-44,310,415); deleting any one gives the same sequence. VCF-style (leftmost placement, unchanged base first): chr6-44310411-TG-T. GRCh37 (hg19) VCF-style: chr6-44278148-TG-T.
Other names: short protein forms Q261fs.
Identifiers: ClinVar variation 545896 (VCV000545896.20), dbSNP rs1554148927, ClinGen allele CA658821717.
Genomic context (GRCh38, chr6:44,310,411, plus strand): 5'-TGTTTGCCTTGCAGCACAGCCACCAGCCTTTCCAGGCCCATTCCTGTGTCCACATGCCGC[TG>T]GGGCAGGGGCTGCAGGCTTCCATCTGCCTCTCTGGCCAGGGAAGGTGTGCAAGGTGAGGC-3'